The following is an entry in ClinVar:

ClinVar aggregate classification (germline): Likely benign (1 of 4 stars; one submission).

gnomAD v4.1: 1,325 of 1,613,852 alleles (0.082%); highest among the groups gnomAD compares: African/African-American, 0.88%; 3 homozygotes.

Submission:

Women's Health and Genetics/Laboratory Corporation of America, LabCorp
Classification: Likely benign. Last evaluated: 2026-04-09. Review status: criteria provided, single submitter. Criteria: LabCorp Variant Classification Summary - May 2015. Collection method: clinical testing. Allele origin: germline.
Comment: Variant summary: MAN2B2 c.1990C>T (p.Arg664Trp) results in a non-conservative amino acid change in the encoded protein sequence. Algorithms developed to predict the effect of missense changes on protein structure and function all suggest that this variant is likely to be disruptive. The variant allele was found at a frequency of 0.00083 in 250412 control chromosomes, predominantly at a frequency of 0.009 within the African or African-American subpopulation in the gnomAD database, including 2 homozygotes. The observed variant frequency within African or African-American control individuals in the gnomAD database exceeds the estimated maximal expected allele frequency for disease-causing variants in MAN2B2. To our knowledge, no occurrence of c.1990C>T in individuals affected with MAN2B2-related conditions and no experimental evidence demonstrating its impact on protein function have been reported. No submitters have cited clinical-significance assessments for this variant to ClinVar. Based on the evidence outlined above, the variant was classified as likely benign.

NM_015274.3(MAN2B2):c.1990C>T (p.Arg664Trp)

Gene: MAN2B2 (mannosidase alpha class 2B member 2; plus strand). Cytogenetic location: 4p16.1.
Variant type: single nucleotide variant.
Coding change: c.1990C>T on transcript NM_015274.3 (MANE Select); coding-DNA position 1990, C replaced by T.
Protein change: p.Arg664Trp; replaces arginine 664 with tryptophan.
Molecular consequence: missense variant.
Genome position (GRCh38, 1-based): chr4:6,609,282, C>T. VCF-style: chr4-6609282-C-T. GRCh37 (hg19) VCF-style: chr4-6611009-C-T.
Other names: c.1837C>T, p.Arg613Trp (NM_001292038.2); short protein forms R613W, R664W.
Identifiers: ClinVar variation 4848714 (VCV004848714.1).